The following is an entry in ClinVar:

ClinVar aggregate classification (germline): Uncertain significance. Review status: criteria provided, multiple submitters, no conflicts (2 of 4 stars). 3 submissions from 3 submitters: Uncertain significance (3). Last evaluated 2026-04-14.

Conditions:
Progressive familial intrahepatic cholestasis type 2. Identifiers: Orphanet 79304, MedGen C3489789, MONDO:0011156, OMIM 601847.
Familial intrahepatic cholestasis. Identifiers: Orphanet 284385, MedGen CN296401, MONDO:0017290.

Allele frequency attached by ClinVar (database versions not stated): gnomAD exomes below 0.00001.
gnomAD v4.1: 1 of 1,611,726 alleles (0.000062%); highest among the groups gnomAD compares: Non-Finnish European, 0.000085%; no homozygotes.

Submissions (3):

Genomenon, Inc
Classification: Uncertain significance for Familial intrahepatic cholestasis. Last evaluated: 2026-04-14. Review status: criteria provided, single submitter. Criteria: Genomenon Sequence Variant Interpretation Standards - Updated. Collection method: curation. Allele origin: germline. Affected: yes.
Comment: ABCB11 p.Ala167Val (c.500C>T) is a missense variant that changes the amino acid at residue 167 from Alanine to Valine. This variant has been observed in at least one proband with an ABCB11-related disorder (PMID:19101985). Splicing studies have been reported (PMID:19101985). The presence of pathogenic or likely pathogenic missense variant(s) at the same amino acid position indicates that this residue is likely important for protein function. It is absent or not present at a significant frequency in gnomAD. In silico models predict that this variant is possibly or probably damaging. In conclusion, we classify ABCB11 p.Ala167Val (c.500C>T) as a variant of uncertain significance.

Broad Center for Mendelian Genomics, Broad Institute of MIT and Harvard
Classification: Uncertain significance for Progressive familial intrahepatic cholestasis type 2. Last evaluated: 2025-02-03. Review status: criteria provided, single submitter. Criteria: ACMG Guidelines, 2015. Collection method: curation. Allele origin: germline. Inheritance: Autosomal recessive inheritance.
Comment: The p.Ala167Val variant in ABCB11 has been reported, in the homozygous state, in 1 individual with BSEP deficiency (PMID: 19101985), and has been identified in 0.00008% (1/1178700) of European (non-Finnish) chromosomes by the Genome Aggregation Database (gnomAD; dbSNP rs1553470309). Although this variant has been seen in the general population in a heterozygous state, its frequency is low enough to be consistent with a recessive carrier frequency. This variant has also been reported in ClinVar (Variation ID: 498435) and has been interpreted as a variant of uncertain significance by Eurofins Ntd Llc. Computational prediction tools and conservation analyses suggest that this variant may impact the protein, though this information is not predictive enough to determine pathogenicity. One additional pathogenic variant, resulting in a different amino acid change at the same position, p.Ala167Thr, has been reported in association with disease in ClinVar, supporting that a change at this position may not be tolerated (Variation ID: 1446335). In summary, while there is some suspicion for a pathogenic role, the clinical significance of this variant is uncertain. ACMG/AMP Criteria applied: PP3_moderate, PM2_supporting, PM3_supporting, PM5_supporting (Richards 2015).

Eurofins Ntd Llc (ga)
Classification: Uncertain significance. Last evaluated: 2016-11-09. Review status: criteria provided, single submitter. Criteria: EGL Classification Definitions 2015. Collection method: clinical testing. Allele origin: germline. Observed: 1 variant allele, 1 heterozygote.

Literature cited by the submitters: PubMed 19101985 (cited by Genomenon, Inc).

NM_003742.4(ABCB11):c.500C>T (p.Ala167Val)

Gene: ABCB11 (ATP binding cassette subfamily B member 11; minus strand). Cytogenetic location: 2q31.1.
Variant type: single nucleotide variant.
Coding change: c.500C>T on transcript NM_003742.4 (MANE Select); coding-DNA position 500, C replaced by T.
Protein change: p.Ala167Val; replaces alanine 167 with valine.
Molecular consequence: missense variant.
Genome position (GRCh38, 1-based): chr2:168,995,460, G>A on the plus strand (C>T on the coding strand, the complement: ABCB11 is on the minus strand). VCF-style: chr2-168995460-G-A. GRCh37 (hg19) VCF-style: chr2-169851970-G-A.
Other names: NM_003742.4(ABCB11):c.500C>T; p.Ala167Val; c.500C>T, p.Ala167Val (LRG_1199t1); short protein forms A167V.
Identifiers: ClinVar variation 498435 (VCV000498435.6), dbSNP rs1553470309, ClinGen allele CA349131969.